The following is an entry in ClinVar:

ClinVar aggregate classification (germline): Likely benign (1 of 4 stars; one submission).

Conditions:
Breast-ovarian cancer, familial, susceptibility to, 1 (BROVCA1). Also called: OVARIAN CANCER, SUSCEPTIBILITY TO; BRCA1 Hereditary Breast and Ovarian Cancer. Identifiers: Orphanet 145, MedGen C2676676, MONDO:0011450, OMIM 604370. Disease mechanism: loss of function.

gnomAD v4.1: 1 of 1,613,228 alleles (0.000062%); highest among the groups gnomAD compares: South Asian, 0.0011%; no homozygotes.

Submission:

Cancer Bioinformatics and Tumour Evolution Laboratory, Monash University
Classification: Likely benign for Breast-ovarian cancer, familial, susceptibility to, 1. Last evaluated: 2026-05-01. Review status: criteria provided, single submitter. Criteria: ClinGen BRCA1 and BRCA2 Guidelines, 2024. Collection method: curation. Allele origin: germline. Inheritance: Autosomal dominant inheritance.
Comment: Missense variant outside of a functional domain with no splice impact. BRCA1 and BRCA2 VCEP guidelines recommend application of BP1_Strong (PMID: 39142283)

NM_007294.4(BRCA1):c.1695G>C (p.Glu565Asp)

Gene: BRCA1 (BRCA1 DNA repair associated; minus strand). Cytogenetic location: 17q21.31.
Variant type: single nucleotide variant.
Coding change: c.1695G>C on transcript NM_007294.4 (MANE Select); coding-DNA position 1695, G replaced by C.
Protein change: p.Glu565Asp; replaces glutamic acid 565 with aspartic acid.
Molecular consequence: missense variant. On other transcripts: intron variant (137).
Genome position (GRCh38, 1-based): chr17:43,093,836, C>G on the plus strand (G>C on the coding strand, the complement: BRCA1 is on the minus strand). VCF-style: chr17-43093836-C-G. GRCh37 (hg19) VCF-style: chr17-41245853-C-G.
Other names: c.1482G>C, p.Glu494Asp (NM_001407571.1, NM_001407899.1, NM_001407853.1 and 9 more transcripts); c.1695G>C, p.Glu565Asp (NM_001407581.1, NM_001407582.1, NM_001407583.1 and 30 more transcripts); c.1692G>C, p.Glu564Asp (NM_001407587.1, NM_001407590.1, NM_001407591.1 and 22 more transcripts); c.1686G>C, p.Glu562Asp (NM_001407646.1, NM_001407647.1); c.1614G>C, p.Glu538Asp (NM_001407660.1, NM_001407661.1, NM_001407662.1 and 1 more transcripts); c.1617G>C, p.Glu539Asp (NM_001407663.1, NM_001407653.1, NM_001407654.1 and 4 more transcripts); c.1572G>C, p.Glu524Asp (NM_001407664.1, NM_001407665.1, NM_001407666.1 and 19 more transcripts); c.1569G>C, p.Glu523Asp (NM_001407685.1, NM_001407686.1, NM_001407687.1 and 11 more transcripts); and 40 more; short protein forms E269D, E397D, E437D, E438D, E453D, E454D, E476D, E477D.
Identifiers: ClinVar variation 4856570 (VCV004856570.1).
Genomic context (GRCh38, chr17:43,093,836, plus strand): 5'-TTCAGCTTTCGTTTTGAAAGCAGATTCTTTTTCGAGTGATTCTATTGGGTTAGGATTTTT[C>G]TCATTCTGAATAGAATCACCTTTTGTTTTATTCTCATGACCACTATTAGTAATATTCATC-3'
Protein context (NP_009225.1, residues 555-575): NKTKGDSIQN[Glu565Asp]KNPNPIESLE